The following is an entry in ClinVar:

NM_001009944.3(PKD1):c.8560C>T (p.Gln2854Ter)

Gene: PKD1 (polycystin 1, transient receptor potential channel interacting; minus strand). Cytogenetic location: 16p13.3.
Variant type: single nucleotide variant.
Coding change: c.8560C>T on transcript NM_001009944.3 (MANE Select); coding-DNA position 8560, C replaced by T.
Protein change: p.Gln2854Ter; replaces glutamine 2854 with a stop codon.
Molecular consequence: nonsense.
Genome position (GRCh38, 1-based): chr16:2,103,497, G>A on the plus strand (C>T on the coding strand, the complement: PKD1 is on the minus strand). VCF-style: chr16-2103497-G-A. GRCh37 (hg19) VCF-style: chr16-2153498-G-A.
Other names: c.8560C>T, p.Gln2854Ter (NM_000296.4); c.8560C>T (NM_001009944.2); short protein forms Q2854*.
Identifiers: ClinVar variation 618310 (VCV000618310.10), dbSNP rs1364976535, ClinGen allele CA394362749.
Genomic context (GRCh38, chr16:2,103,497, plus strand): 5'-CGGTGATGGCGCGCTCTGAGGCCAGCCGCTCGATGGGGATCTGGGCGCCGGCCTGTGTCT[G>A]GAATGCCATCGAGGCCACCTTGGTGGAGACGGTGTAGTTGCTGATATAGCCAAAGGGAAA-3'

ClinVar aggregate classification (germline): Pathogenic. Review status: criteria provided, multiple submitters, no conflicts (2 of 4 stars). 3 submissions from 3 submitters: Pathogenic (3). Last evaluated 2024-08-29.

Conditions:
Polycystic kidney disease, adult type (PKD1). Also called: Polycystic Kidney Disease 1, Autosomal Dominant; Polycystic kidney disease 1; Polycystic kidney disease 1, severe; POLYCYSTIC KIDNEY DISEASE 1 WITH OR WITHOUT POLYCYSTIC LIVER DISEASE; Polycystic Kidney, Autosomal Dominant; POLYCYSTIC KIDNEY DISEASE, ADULT, TYPE I. Identifiers: MedGen C3149841, MONDO:0008263, OMIM 173900.

Submissions (3):

Department of Pathology and Laboratory Medicine, Sinai Health System
Classification: Pathogenic for Polycystic kidney disease, adult type. Last evaluated: 2024-08-29. Review status: criteria provided, single submitter. Criteria: ACMG Guidelines, 2015. Collection method: clinical testing. Allele origin: germline.

Fulgent Genetics
Classification: Pathogenic for Polycystic kidney disease, adult type. Last evaluated: 2021-10-30. Review status: criteria provided, single submitter. Criteria: ACMG Guidelines, 2015. Collection method: clinical testing. Allele origin: unknown.

ARUP Laboratories, Molecular Genetics and Genomics, ARUP Laboratories
Classification: Pathogenic. Last evaluated: 2017-12-22. Review status: criteria provided, single submitter. Criteria: ARUP Molecular Germline Variant Investigation Process. Collection method: clinical testing. Allele origin: germline.
Comment: The PKD1 c.8560C>T; p.Gln2854Ter variant is reported in the literature in two families with autosomal dominant polycystic kidney disease (ADPKD) (Audrezet 2012). The variant is absent from the general population databases (1000 Genomes Project, Exome Variant Server, Genome Aggregation Database). The p.Gln2854Ter variant induces an early termination codon and is predicted to result in a truncated protein or mRNA that is subject to nonsense mediated decay. Based on the above information, this variant is considered pathogenic. References: Audrezet MP et al. Autosomal dominant polycystic kidney disease: comprehensive mutation analysis of PKD1 and PKD2 in 700 unrelated patients. Hum Mutat. 2012 Aug;33(8):1239-50.